The following is an entry in ClinVar:

ClinVar aggregate classification (germline): Uncertain significance (1 of 4 stars; one submission).

Conditions:
Inborn genetic diseases. Identifiers: MedGen C0950123, MeSH D030342.

Submission:

Ambry Genetics
Classification: Uncertain significance for Inborn genetic diseases. Last evaluated: 2026-06-13. Review status: criteria provided, single submitter. Criteria: Ambry Variant Classification Scheme 2023. Collection method: clinical testing. Allele origin: germline.
Comment: The p.D643H variant (also known as c.1927G>C), located in coding exon 15 of the BUB1B gene, results from a G to C substitution at nucleotide position 1927. The aspartic acid at codon 643 is replaced by histidine, an amino acid with similar properties. This amino acid position is conserved. In addition, this alteration is predicted to be tolerated by in silico analysis. Based on the available evidence, the clinical significance of this variant remains unclear.

NM_001211.6(BUB1B):c.1927G>C (p.Asp643His)

Gene: BUB1B (BUB1 mitotic checkpoint serine/threonine kinase B; plus strand). Cytogenetic location: 15q15.1.
Variant type: single nucleotide variant.
Coding change: c.1927G>C on transcript NM_001211.6 (MANE Select); coding-DNA position 1927, G replaced by C.
Protein change: p.Asp643His; replaces aspartic acid 643 with histidine.
Molecular consequence: missense variant.
Genome position (GRCh38, 1-based): chr15:40,206,376, G>C. VCF-style: chr15-40206376-G-C. GRCh37 (hg19) VCF-style: chr15-40498577-G-C.
Other names: short protein forms D643H.
Identifiers: ClinVar variation 4868025 (VCV004868025.1).
Genomic context (GRCh38, chr15:40,206,376, plus strand): 5'-CATGAGATAATGTCCTTGAAGGATCTCCCTTCTGATCCTGAGAGACTGTTACCGGAAGAA[G>C]ATCTAGATGTAAAGACCTCTGAGGACCAGCAGACAGCTTGTGGCACTATCTACAGTCAGA-3'
Protein context (NP_001202.5, residues 633-653): SDPERLLPEE[Asp643His]LDVKTSEDQQ